The following is an entry in ClinVar:

ClinVar aggregate classification (germline): Conflicting classifications of pathogenicity. Review status: criteria provided, conflicting classifications (1 of 4 stars). 3 submissions from 3 submitters: Uncertain significance (1); Likely benign (2). Last evaluated 2026-01-12.

Conditions:
Hypertrophic osteoarthropathy, primary, autosomal recessive, 2 (PHOAR2E). Also called: PHOAR2-enteropathy syndrome; PACHYDERMOPERIOSTOSIS, AUTOSOMAL RECESSIVE; PDP, AUTOSOMAL RECESSIVE; HYPERTROPHIC OSTEOARTHROPATHY, PRIMARY, AUTOSOMAL RECESSIVE, 2/ENTEROPATHY SYNDROME. Identifiers: Orphanet 2796, MedGen C3280800, MONDO:0013756, OMIM 614441.

Allele frequency attached by ClinVar (database versions not stated): 1000 Genomes Project 0.00020; gnomAD exomes 0.00020 and 0.00032; gnomAD 0.00039 and 0.00041; TOPMed 0.00063; ExAC 0.00024; ESP Exome Variant Server 0.00031; 1000 Genomes Project 30x 0.00031.
gnomAD v4.1: 371 of 1,614,168 alleles (0.023%); highest among the groups gnomAD compares: Middle Eastern, 0.16%; no homozygotes.

Submissions (3):

Labcorp Genetics (formerly Invitae), Labcorp
Classification: Likely benign. Last evaluated: 2026-01-12. Review status: criteria provided, single submitter. Criteria: Invitae Variant Classification Sherloc (09022015). Collection method: clinical testing. Allele origin: germline.

3billion
Classification: Likely benign for Hypertrophic osteoarthropathy, primary, autosomal recessive, 2. Last evaluated: 2024-09-20. Review status: criteria provided, single submitter. Criteria: ACMG Guidelines, 2015. Collection method: clinical testing. Allele origin: germline. Affected: no.
Comment: The homozygous variant was found in patients diagnosed with another variant in a different gene, with no symptoms related to the gene containing the homozygous variant.

Breakthrough Genomics
Classification: Uncertain significance. Review status: criteria provided, single submitter. Criteria: ACMG Guidelines, 2015. Collection method: not provided. Allele origin: germline. Inheritance: Autosomal recessive inheritance. Affected: yes.

NM_005630.3(SLCO2A1):c.904G>C (p.Ala302Pro)

Gene: SLCO2A1 (solute carrier organic anion transporter family member 2A1; minus strand). Cytogenetic location: 3q22.1.
Variant type: single nucleotide variant.
Coding change: c.904G>C on transcript NM_005630.3 (MANE Select); coding-DNA position 904, G replaced by C.
Protein change: p.Ala302Pro; replaces alanine 302 with proline.
Molecular consequence: missense variant.
Genome position (GRCh38, 1-based): chr3:133,948,929, C>G on the plus strand (G>C on the coding strand, the complement: SLCO2A1 is on the minus strand). VCF-style: chr3-133948929-C-G. GRCh37 (hg19) VCF-style: chr3-133667773-C-G.
Other names: short protein forms A302P.
Identifiers: ClinVar variation 1486319 (VCV001486319.9), dbSNP rs142480645, ClinGen allele CA2626634.